The following is an entry in ClinVar:

ClinVar aggregate classification (germline): Uncertain significance (1 of 4 stars; one submission).

Allele frequency attached by ClinVar (database versions not stated): TOPMed below 0.00001; gnomAD 0.00001.
gnomAD v4.1: 8 of 1,551,824 alleles (0.00052%); highest among the groups gnomAD compares: African/African-American, 0.0027%; no homozygotes.

Submission:

GeneDx
Classification: Uncertain significance. Last evaluated: 2023-04-11. Review status: criteria provided, single submitter. Criteria: GeneDx Variant Classification Process June 2021. Collection method: clinical testing. Allele origin: germline. Affected: yes.
Comment: Not observed at significant frequency in large population cohorts (gnomAD); In silico analysis supports a deleterious effect on splicing; Has not been previously published as pathogenic or benign to our knowledge

NM_001128159.3(VPS53):c.372+5G>A

Gene: VPS53 (VPS53 subunit of GARP complex; minus strand). Cytogenetic location: 17p13.3.
Variant type: single nucleotide variant.
Coding change: c.372+5G>A on transcript NM_001128159.3 (MANE Select); 5 bases into the intron after coding-DNA position 372, G replaced by A.
Molecular consequence: intron variant.
Genome position (GRCh38, 1-based): chr17:661,804, C>T on the plus strand (G>A on the coding strand, the complement: VPS53 is on the minus strand). VCF-style: chr17-661804-C-T. GRCh37 (hg19) VCF-style: chr17-565044-C-T.
Other names: c.286-5851G>A (NM_018289.4); c.372+5G>A (NM_001366253.2); c.-321+5G>A (NM_001366254.2).
Identifiers: ClinVar variation 2662604 (VCV002662604.1), dbSNP rs1371368716, ClinGen allele CA624299543.